The following is an entry in ClinVar:

NM_001377275.1(PER3):c.129-10dup

Gene: PER3 (period circadian regulator 3; plus strand). Cytogenetic location: 1p36.23.
Variant type: Duplication.
Coding change: c.129-10dup on transcript NM_001377275.1 (MANE Select); 10 bases into the intron before coding-DNA position 129, one base duplicated (T; older notation c.129-10dupT).
Molecular consequence: intron variant.
Genome position (GRCh38, 1-based): chr1:7,785,431, T duplicated; the last of 9 consecutive T bases (chr1:7,785,423-7,785,431); duplicating any one gives the same sequence. VCF-style (leftmost placement, unchanged base first): chr1-7785422-A-AT. GRCh37 (hg19) VCF-style: chr1-7845482-A-AT.
Other names: c.129-10dup (NM_001289861.2, NM_001289863.3, NM_016831.4 and 2 more transcripts); c.-890-10dup (NM_001289864.3).
Identifiers: ClinVar variation 3034361 (VCV003034361.2), dbSNP rs554573019, ClinGen allele CA567588.

ClinVar aggregate classification (germline): Likely benign (0 of 4 stars; one submission).

Conditions:
PER3-related disorder. Also called: PER3-related condition.

Submission:

PreventionGenetics, part of Exact Sciences
Classification: Likely benign for PER3-related condition. Last evaluated: 2019-06-11. Review status: no assertion criteria provided. Collection method: clinical testing. Allele origin: germline.
Comment: This variant is classified as likely benign based on ACMG/AMP sequence variant interpretation guidelines (Richards et al. 2015 PMID: 25741868, with internal and published modifications).